The following is an entry in ClinVar:

NM_000059.4(BRCA2):c.7806-2A>C

Gene: BRCA2 (BRCA2 DNA repair associated; plus strand). Cytogenetic location: 13q13.1.
Variant type: single nucleotide variant.
Coding change: c.7806-2A>C on transcript NM_000059.4 (MANE Select); the canonical splice acceptor site of the intron before coding-DNA position 7806, A replaced by C.
Molecular consequence: splice acceptor variant.
Genome position (GRCh38, 1-based): chr13:32,362,521, A>C. VCF-style: chr13-32362521-A-C. GRCh37 (hg19) VCF-style: chr13-32936658-A-C.
Other names: c.7806-2A>C (NM_001406720.1); c.7710-2A>C (NM_001406719.1); c.2874-2A>C (NM_001406721.1); c.1389-2A>C (NM_001406722.1).
Identifiers: ClinVar variation 1456348 (VCV001456348.9), dbSNP rs81002836, ClinGen allele CA387746909.

ClinVar aggregate classification (germline): Pathogenic/Likely pathogenic. Review status: criteria provided, multiple submitters, no conflicts (2 of 4 stars). 3 submissions from 3 submitters: Pathogenic (2); Likely pathogenic (1). Last evaluated 2024-01-02.

Conditions:
Hereditary breast ovarian cancer syndrome. Also called: Hereditary breast and ovarian cancer syndrome; BRCA1- and BRCA2-Associated Hereditary Breast and Ovarian Cancer; Breast and ovarian cancer; Hereditary breast and ovarian cancer syndrome (HBOC); Hereditary breast and/or ovarian cancer syndrome; Hereditary breast and ovarian cancer. Identifiers: Orphanet 145, MedGen C0677776, MeSH D061325, MONDO:0003582. Disease mechanism: loss of function.
Breast-ovarian cancer, familial, susceptibility to, 2 (BROVCA2). Also called: BRCA2 Hereditary Breast and Ovarian Cancer. Identifiers: Orphanet 145, MedGen C2675520, MONDO:0012933, OMIM 612555. Disease mechanism: loss of function.
Hereditary cancer-predisposing syndrome. Also called: Hereditary Cancer Syndrome; Hereditary neoplastic syndrome; Tumor predisposition; Neoplastic Syndromes, Hereditary. Identifiers: Orphanet 140162, MedGen C0027672, MeSH D009386, MONDO:0015356.

Submissions (3):

Ambry Genetics
Classification: Likely pathogenic for Hereditary cancer-predisposing syndrome. Last evaluated: 2024-01-02. Review status: criteria provided, single submitter. Criteria: Ambry Variant Classification Scheme 2023. Collection method: clinical testing. Allele origin: germline.
Comment: The c.7806-2A>C intronic variant results from an A to C substitution two nucleotides upstream from coding exon 16 in the BRCA2 gene. Alterations that disrupt the canonical splice site are expected to cause aberrant splicing, resulting in an abnormal protein or a transcript that is subject to nonsense-mediated mRNA decay. This nucleotide position is highly conserved in available vertebrate species. In silico splice site analysis predicts that this alteration will weaken the native splice acceptor site and will result in the creation or strengthening of a novel splice acceptor site. RNA studies have demonstrated that this alteration results in abnormal splicing in the set of samples tested (Ambry internal data). This variant is considered to be rare based on population cohorts in the Genome Aggregation Database (gnomAD). Based on the majority of available evidence to date, this variant is likely to be pathogenic.

Labcorp Genetics (formerly Invitae), Labcorp
Classification: Pathogenic for Hereditary breast ovarian cancer syndrome. Last evaluated: 2023-07-28. Review status: criteria provided, single submitter. Criteria: Invitae Variant Classification Sherloc (09022015). Collection method: clinical testing. Allele origin: germline.
Comment: This sequence change affects an acceptor splice site in intron 16 of the BRCA2 gene. It is expected to disrupt RNA splicing. Variants that disrupt the donor or acceptor splice site typically lead to a loss of protein function (PMID: 16199547), and loss-of-function variants in BRCA2 are known to be pathogenic (PMID: 20104584). This variant is not present in population databases (gnomAD no frequency). Disruption of this splice site has been observed in individual(s) with breast cancer (PMID: 12461697). It has also been observed to segregate with disease in related individuals. ClinVar contains an entry for this variant (Variation ID: 1456348). Algorithms developed to predict the effect of sequence changes on RNA splicing suggest that this variant may disrupt the consensus splice site. For these reasons, this variant has been classified as Pathogenic.

Myriad Genetics, Inc.
Classification: Pathogenic for Breast-ovarian cancer, familial, susceptibility to, 2. Last evaluated: 2023-01-31. Review status: criteria provided, single submitter. Criteria: Myriad Autosomal Dominant, Autosomal Recessive and X-Linked Classification Criteria (2023). Collection method: clinical testing. Allele origin: unknown.
Comment: This variant is considered pathogenic. This variant occurs within a consensus splice junction and is predicted to result in abnormal mRNA splicing of either an out-of-frame exon or an in-frame exon necessary for protein stability and/or normal function. This variant is strongly associated with more severe personal and family histories of cancer, typical for individuals with pathogenic variants in this gene [PMID: 25085752].

Literature cited by the submitters: PubMed 31131967 (cited by Ambry Genetics); PubMed 16199547 (cited by Labcorp Genetics (formerly Invitae), Labcorp); PubMed 20104584 (cited by Labcorp Genetics (formerly Invitae), Labcorp); PubMed 12461697 (cited by Labcorp Genetics (formerly Invitae), Labcorp); PubMed 25085752 (cited by Myriad Genetics, Inc.).